The following is an entry in ClinVar:

NM_006267.5(RANBP2):c.1675del (p.Glu558_Ile559insTer)

Gene: RANBP2 (RAN binding protein 2; plus strand). Cytogenetic location: 2q13.
Variant type: Deletion.
Coding change: c.1675del on transcript NM_006267.5 (MANE Select); coding-DNA position 1675, one base deleted (A; older notation c.1675delA).
Protein change: p.Glu558_Ile559insTer.
Molecular consequence: nonsense.
Genome position (GRCh38, 1-based): chr2:108,751,914, A deleted; the last of 3 consecutive A bases (chr2:108,751,912-108,751,914); deleting any one gives the same sequence. VCF-style (leftmost placement, unchanged base first): chr2-108751911-GA-G. GRCh37 (hg19) VCF-style: chr2-109368367-GA-G.
Other names: c.1675del, p.Glu558_Ile559insTer (NM_001415871.1, NM_001415873.1); c.1672del, p.Glu557_Ile558insTer (NM_001415872.1).
Identifiers: ClinVar variation 4725893 (VCV004725893.1).

ClinVar aggregate classification (germline): Uncertain significance (1 of 4 stars; one submission).

Conditions:
Familial acute necrotizing encephalopathy (IIAE3). Also called: ENCEPHALOPATHY, ACUTE, INFECTION-INDUCED, SUSCEPTIBILITY TO, 3; Susceptibility to Acute Necrotizing Encephalopathy 1. Identifiers: Orphanet 88619, MedGen C2675556, MONDO:0011953, OMIM 608033.

Submission:

Labcorp Genetics (formerly Invitae), Labcorp
Classification: Uncertain significance for Familial acute necrotizing encephalopathy. Last evaluated: 2025-08-30. Review status: criteria provided, single submitter. Criteria: Invitae Variant Classification Sherloc (09022015). Collection method: clinical testing. Allele origin: germline.
Comment: This sequence change creates a premature translational stop signal (p.Ile559*) in the RANBP2 gene. It is expected to result in an absent or disrupted protein product. However, the current clinical and genetic evidence is not sufficient to establish whether loss-of-function variants in RANBP2 cause disease. This variant is not present in population databases (gnomAD no frequency). This variant has not been reported in the literature in individuals affected with RANBP2-related conditions. Experimental studies and prediction algorithms are not available or were not evaluated, and the functional significance of this variant is currently unknown. In summary, the available evidence is currently insufficient to determine the role of this variant in disease. Therefore, it has been classified as a Variant of Uncertain Significance.